The following is an entry in ClinVar:

NM_000492.4(CFTR):c.3682G>T (p.Glu1228Ter)

Genes: CFTR (CF transmembrane conductance regulator; plus strand), CFTR-AS2 (CFTR antisense RNA 2; minus strand). Cytogenetic location: 7q31.2.
Variant type: single nucleotide variant.
Coding change: c.3682G>T on transcript NM_000492.4 (MANE Select); coding-DNA position 3682, G replaced by T.
Protein change: p.Glu1228Ter; replaces glutamic acid 1228 with a stop codon.
Molecular consequence: nonsense.
Genome position (GRCh38, 1-based): chr7:117,627,735, G>T. VCF-style: chr7-117627735-G-T. GRCh37 (hg19) VCF-style: chr7-117267789-G-T.
Other names: short protein forms E1228*.
Identifiers: ClinVar variation 983866 (VCV000983866.3), dbSNP rs759116351, ClinGen allele CA368997464.

ClinVar aggregate classification (germline): Likely pathogenic (1 of 4 stars; one submission).

Conditions:
Cystic fibrosis (CF). Also called: MUCOVISCIDOSIS. Identifiers: Orphanet 586, MedGen C0010674, MONDO:0009061, OMIM 219700. Disease mechanism: loss of function.

Submission:

Myriad Genetics, Inc.
Classification: Likely pathogenic for Cystic fibrosis. Last evaluated: 2019-11-09. Review status: criteria provided, single submitter. Criteria: Myriad Women's Health Autosomal Recessive and X-Linked Classification Criteria (2019). Collection method: clinical testing. Allele origin: unknown.
Comment: NM_000492.3(CFTR):c.3682G>T(E1228*) is expected to be pathogenic in the context of cystic fibrosis. This variant is predicted to lead to an abnormal or absent protein product due to the creation of a premature termination codon in CFTR, a gene where loss-of-function variants are known to be pathogenic. Please note: this variant was assessed in the context of healthy population screening.